The following is an entry in ClinVar:

ClinVar aggregate classification (germline): Uncertain significance (1 of 4 stars; one submission).

Conditions:
Familial cancer of breast. Also called: BREAST CANCER, FAMILIAL; Hereditary breast cancer; hereditary breast carcinoma. Identifiers: Orphanet 227535, MedGen C0346153, MONDO:0016419, OMIM 114480. Disease mechanism: loss of function.

Submission:

Labcorp Genetics (formerly Invitae), Labcorp
Classification: Uncertain significance for Familial cancer of breast. Last evaluated: 2016-12-02. Review status: criteria provided, single submitter. Criteria: Invitae Variant Classification Sherloc (09022015). Collection method: clinical testing. Allele origin: germline.
Comment: This sequence change replaces leucine with arginine at codon 262 of the PALB2 protein (p.Leu262Arg). The leucine residue is moderately conserved and there is a moderate physicochemical difference between leucine and arginine. This variant is not present in population databases (ExAC no frequency) and has not been reported in the literature in individuals with a PALB2-related disease. Algorithms developed to predict the effect of missense changes on protein structure and function do not agree on the potential impact of this missense change (SIFT: "Deleterious"; PolyPhen-2: "Probably Damaging"; Align-GVGD: "Class C0"). In summary, this variant is a novel missense change with uncertain impact on protein function. It has been classified as a Variant of Uncertain Significance.

NM_024675.4(PALB2):c.785T>G (p.Leu262Arg)

Gene: PALB2 (partner and localizer of BRCA2; minus strand). Cytogenetic location: 16p12.2.
Variant type: single nucleotide variant.
Coding change: c.785T>G on transcript NM_024675.4 (MANE Select); coding-DNA position 785, T replaced by G.
Protein change: p.Leu262Arg; replaces leucine 262 with arginine.
Molecular consequence: missense variant.
Genome position (GRCh38, 1-based): chr16:23,635,761, A>C on the plus strand (T>G on the coding strand, the complement: PALB2 is on the minus strand). VCF-style: chr16-23635761-A-C. GRCh37 (hg19) VCF-style: chr16-23647082-A-C.
Other names: short protein forms L262R.
Identifiers: ClinVar variation 410104 (VCV000410104.9), dbSNP rs1060502732, ClinGen allele CA16615292.
Genomic context (GRCh38, chr16:23,635,761, plus strand): 5'-CTAATGTTTTTTAGGTCGTGAGTAGTAAGTTCACTGCTACCTTTAGGAGGAATGTGTTCA[A>C]GGTGCTGACTACTACCGCTATCTGATAGAGTCTGTAAAGGAACTGTAGTCGCCCTGGTGA-3'
Protein context (NP_078951.2, residues 252-272): TLSDSGSSQH[Leu262Arg]EHIPPKGSSE